The following is an entry in ClinVar:

NM_001281293.2(ZNF281):c.2226A>C (p.Gly742=)

Gene: ZNF281 (zinc finger protein 281; minus strand). Cytogenetic location: 1q32.1.
Variant type: single nucleotide variant.
Coding change: c.2226A>C on transcript NM_001281293.2 (MANE Select); coding-DNA position 2226, A replaced by C.
Protein change: p.Gly742=; no amino-acid change (glycine 742 retained).
Molecular consequence: synonymous variant.
Genome position (GRCh38, 1-based): chr1:200,407,480, T>G on the plus strand (A>C on the coding strand, the complement: ZNF281 is on the minus strand). VCF-style: chr1-200407480-T-G. GRCh37 (hg19) VCF-style: chr1-200376608-T-G.
Other names: c.2118A>C, p.Gly706= (NM_001281294.2); c.2226A>C, p.Gly742= (NM_012482.5).
Identifiers: ClinVar variation 2639714 (VCV002639714.24), dbSNP rs74547203, ClinGen allele CA1316554.
Genomic context (GRCh38, chr1:200,407,480, plus strand): 5'-GGAAGGTGTCAACTGCTGATGTGTAGCATCCAAAGCAGACAAATAAAGACCTGGCTGAGA[T>G]CCAAACAACATCCCAAAAGGAGGCTTTGGCAATGAAGATGGCAACACTGAGGTAACAGAT-3'
Protein context (NP_001268222.1, residues 732-752): LPKPPFGMLF[Gly742=]SQPGLYLSAL

ClinVar aggregate classification (germline): Likely benign (1 of 4 stars; one submission).

Allele frequency attached by ClinVar (database versions not stated): 1000 Genomes Project 30x 0.00234; 1000 Genomes Project 0.00260; TOPMed 0.00462; ExAC 0.00475; gnomAD 0.00580; ESP Exome Variant Server 0.00623; gnomAD exomes 0.00749.

Submission:

CeGaT Center for Human Genetics Tuebingen
Classification: Likely benign. Last evaluated: 2022-12-01. Review status: criteria provided, single submitter. Criteria: CeGaT Center For Human Genetics Tuebingen Variant Classification Criteria Version 2. Collection method: clinical testing. Allele origin: germline. Affected: yes. Observed: 2 variant alleles.
Comment: ZNF281: BP4, BP7, BS2